The following is an entry in ClinVar:

NM_014908.4(DOLK):c.125A>G (p.Tyr42Cys)

Gene: DOLK (dolichol kinase; minus strand). Cytogenetic location: 9q34.11.
Variant type: single nucleotide variant.
Coding change: c.125A>G on transcript NM_014908.4 (MANE Select); coding-DNA position 125, A replaced by G.
Protein change: p.Tyr42Cys; replaces tyrosine 42 with cysteine.
Molecular consequence: missense variant.
Genome position (GRCh38, 1-based): chr9:128,947,179, T>C on the plus strand (A>G on the coding strand, the complement: DOLK is on the minus strand). VCF-style: chr9-128947179-T-C. GRCh37 (hg19) VCF-style: chr9-131709458-T-C.
Other names: short protein forms Y42C.
Identifiers: ClinVar variation 5035562 (VCV005035562.1).

ClinVar aggregate classification (germline): Uncertain significance (1 of 4 stars; one submission).

Conditions:
Cardiovascular phenotype. Identifiers: MedGen CN230736.

Submission:

Ambry Genetics
Classification: Uncertain significance for Cardiovascular phenotype. Last evaluated: 2026-07-31. Review status: criteria provided, single submitter. Criteria: Ambry Variant Classification Scheme 2023. Collection method: clinical testing. Allele origin: germline.
Comment: The p.Y42C variant (also known as c.125A>G), located in coding exon 1 of the DOLK gene, results from an A to G substitution at nucleotide position 125. The tyrosine at codon 42 is replaced by cysteine, an amino acid with highly dissimilar properties. This amino acid position is conserved. In addition, the in silico prediction for this alteration is inconclusive. Based on the available evidence, the clinical significance of this variant remains unclear.